The following is an entry in ClinVar:

NM_002863.5(PYGL):c.1058T>C (p.Ile353Thr)

Gene: PYGL (glycogen phosphorylase L; minus strand). Cytogenetic location: 14q22.1.
Variant type: single nucleotide variant.
Coding change: c.1058T>C on transcript NM_002863.5 (MANE Select); coding-DNA position 1058, T replaced by C.
Protein change: p.Ile353Thr; replaces isoleucine 353 with threonine.
Molecular consequence: missense variant.
Genome position (GRCh38, 1-based): chr14:50,916,676, A>G on the plus strand (T>C on the coding strand, the complement: PYGL is on the minus strand). VCF-style: chr14-50916676-A-G. GRCh37 (hg19) VCF-style: chr14-51383394-A-G.
Other names: c.956T>C, p.Ile319Thr (NM_001163940.2); short protein forms I319T, I353T.
Identifiers: ClinVar variation 5020417 (VCV005020417.1).
Genomic context (GRCh38, chr14:50,916,676, plus strand): 5'-GGAAAAAGAAGCCAAACTATCCAGACCTTGGACCAGGGCAGTTTTTCAATATCCACAAAA[A>G]TCCTCATCAGCTCAGGGATCGCGAGTGCAGGGTGAGTGTCATTCAGCTGGATGGCCACCT-3'
Protein context (NP_002854.3, residues 343-363): PALAIPELMR[Ile353Thr]FVDIEKLPWS

ClinVar aggregate classification (germline): Uncertain significance (1 of 4 stars; one submission).

Submission:

Dasa
Classification: Uncertain significance. Last evaluated: 2026-06-08. Review status: criteria provided, single submitter. Criteria: DASA Assertion Criteria. Collection method: clinical testing. Allele origin: germline.
Comment: NM_002863.5(PYGL):c.1058T>C (p.Ile353Thr) is a missense variant that results in the substitution of isoleucine with threonine. This variant is rare in population databases. Computational prediction algorithms are consistent with a deleterious effect. The currently available literature and clinical evidence are not sufficient to establish a definitive association between this variant and the reported condition. Therefore, this variant is classified as a variant of uncertain significance.